The following is an entry in ClinVar:

ClinVar aggregate classification (germline): Benign. Review status: criteria provided, multiple submitters, no conflicts (2 of 4 stars). 3 submissions from 3 submitters: Benign (3). Last evaluated 2023-11-12.

Allele frequency attached by ClinVar (database versions not stated): gnomAD 0.13267; 1000 Genomes Project 30x 0.20191; TOPMed 0.12620; 1000 Genomes Project 0.20986.
gnomAD v4.1: 189,525 of 1,596,424 alleles (12%); highest among the groups gnomAD compares: East Asian, 54%; 17,226 homozygotes.

Submissions (3):

Unidad de Genómica Garrahan, Hospital de Pediatría Garrahan
Classification: Benign. Last evaluated: 2023-11-12. Review status: criteria provided, single submitter. Criteria: ACMG Guidelines, 2015. Collection method: clinical testing. Allele origin: germline. Affected: no. Observed: 38 variant alleles.
Comment: This variant is classified as Benign based on local population frequency. This variant was detected in 40% of patients studied by a panel of primary immunodeficiencies. Number of patients: 38. Only high quality variants are reported.

GeneDx
Classification: Benign. Last evaluated: 2018-06-16. Review status: criteria provided, single submitter. Criteria: GeneDx Variant Classification (06012015). Collection method: clinical testing. Allele origin: germline. Affected: yes.
Comment: This variant is considered likely benign or benign based on one or more of the following criteria: it is a conservative change, it occurs at a poorly conserved position in the protein, it is predicted to be benign by multiple in silico algorithms, and/or has population frequency not consistent with disease.

Breakthrough Genomics
Classification: Benign. Review status: criteria provided, single submitter. Criteria: ACMG Guidelines, 2015. Collection method: not provided. Allele origin: germline. Inheritance: Autosomal recessive inheritance. Affected: yes.

NM_203447.4(DOCK8):c.3840+69T>G

Gene: DOCK8 (dedicator of cytokinesis 8; plus strand). Cytogenetic location: 9p24.3.
Variant type: single nucleotide variant.
Coding change: c.3840+69T>G on transcript NM_203447.4 (MANE Select); 69 bases into the intron after coding-DNA position 3840, T replaced by G.
Molecular consequence: intron variant.
Genome position (GRCh38, 1-based): chr9:418,276, T>G. VCF-style: chr9-418276-T-G. GRCh37 (hg19) VCF-style: chr9-418276-T-G.
Other names: c.3636+69T>G (NM_001193536.2); c.3540+69T>G (NM_001190458.2).
Identifiers: ClinVar variation 675030 (VCV000675030.4), dbSNP rs12352911, ClinGen allele CA13022878.